The following is an entry in ClinVar:

ClinVar aggregate classification (germline): Uncertain significance. Review status: criteria provided, multiple submitters, no conflicts (2 of 4 stars). 2 submissions from 2 submitters: Uncertain significance (2). Last evaluated 2025-04-28.

Conditions:
Inborn genetic diseases. Identifiers: MedGen C0950123, MeSH D030342.

Allele frequency attached by ClinVar (database versions not stated): ExAC 0.00009; 1000 Genomes Project 30x 0.00016; 1000 Genomes Project 0.00020.
gnomAD v4.1: 21 of 1,569,448 alleles (0.0013%); highest among the groups gnomAD compares: African/African-American, 0.011%; no homozygotes.

Submissions (2):

Ambry Genetics
Classification: Uncertain significance for Inborn genetic diseases. Last evaluated: 2025-04-28. Review status: criteria provided, single submitter. Criteria: Ambry Variant Classification Scheme 2023. Collection method: clinical testing. Allele origin: germline.

GeneDx
Classification: Uncertain significance. Last evaluated: 2023-04-27. Review status: criteria provided, single submitter. Criteria: GeneDx Variant Classification Process June 2021. Collection method: clinical testing. Allele origin: germline. Affected: yes.
Comment: In silico analysis supports that this missense variant has a deleterious effect on protein structure/function; Has not been previously published as pathogenic or benign to our knowledge

NM_173660.5(DOK7):c.1037C>T (p.Ser346Phe)

Gene: DOK7 (docking protein 7; plus strand). Cytogenetic location: 4p16.3.
Variant type: single nucleotide variant.
Coding change: c.1037C>T on transcript NM_173660.5 (MANE Select); coding-DNA position 1037, C replaced by T.
Protein change: p.Ser346Phe; replaces serine 346 with phenylalanine.
Molecular consequence: missense variant. On other transcripts: 3 prime UTR variant (1).
Genome position (GRCh38, 1-based): chr4:3,493,023, C>T. VCF-style: chr4-3493023-C-T. GRCh37 (hg19) VCF-style: chr4-3494750-C-T.
Other names: c.*258C>T (NM_001164673.2); c.107C>T, p.Ser36Phe (NM_001256896.2); c.1037C>T, p.Ser346Phe (NM_001301071.2); c.605C>T, p.Ser202Phe (NM_001363811.2); short protein forms S202F, S346F, S36F.
Identifiers: ClinVar variation 2663666 (VCV002663666.2), dbSNP rs568530359, ClinGen allele CA2829335.